The following is an entry in ClinVar:

ClinVar aggregate classification (germline): Uncertain significance. Review status: criteria provided, multiple submitters, no conflicts (2 of 4 stars). 6 submissions from 6 submitters: Uncertain significance (2). 4 of the submissions do not count toward it. Last evaluated 2026-02-02.

Conditions:
Retinal dystrophy. Also called: Inherited retinal dystrophy. Identifiers: Orphanet 71862, MedGen C0854723, MeSH D058499, MONDO:0019118, HP:0000556.
Usher syndrome type 1B (USH1B). Also called: Usher syndrome type IB. Identifiers: MedGen C1848638, MONDO:0700087.

Allele frequency attached by ClinVar (database versions not stated): gnomAD exomes below 0.00001 and 0.00002; gnomAD 0.00001.
gnomAD v4.1: 33 of 1,610,916 alleles (0.002%); highest among the groups gnomAD compares: Non-Finnish European, 0.0027%; no homozygotes.

Submissions (6):

Labcorp Genetics (formerly Invitae), Labcorp
Classification: Uncertain significance. Last evaluated: 2026-02-02. Review status: criteria provided, single submitter. Criteria: Invitae Variant Classification Sherloc (09022015). Collection method: clinical testing. Allele origin: germline.
Comment: This sequence change replaces aspartic acid, which is acidic and polar, with histidine, which is basic and polar, at codon 13 of the MYO7A protein (p.Asp13His). This variant is present in population databases (no rsID available, gnomAD 0.002%). This variant has not been reported in the literature in individuals affected with MYO7A-related conditions. ClinVar contains an entry for this variant (Variation ID: 862969). Invitae Evidence Modeling of protein sequence and biophysical properties (such as structural, functional, and spatial information, amino acid conservation, physicochemical variation, residue mobility, and thermodynamic stability) has been performed for this missense variant. However, the output from this modeling did not meet the statistical confidence thresholds required to predict the impact of this variant on MYO7A protein function. In summary, the available evidence is currently insufficient to determine the role of this variant in disease. Therefore, it has been classified as a Variant of Uncertain Significance.

CeGaT Center for Human Genetics Tuebingen
Classification: Uncertain significance. Last evaluated: 2025-06-01. Review status: criteria provided, single submitter. Criteria: CeGaT Center For Human Genetics Tuebingen Variant Classification Criteria Version 2. Collection method: clinical testing. Allele origin: germline. Affected: yes. Observed: 1 variant allele.
Comment: MYO7A: PM2, PP3

Institute of Human Genetics, Univ. Regensburg, Univ. Regensburg
Classification: Uncertain significance for Retinal dystrophy. Last evaluated: 2023-01-01. Review status: no assertion criteria provided. Criteria: ACMG Guidelines, 2015. Collection method: clinical testing. Allele origin: germline. Affected: yes. Not counted in ClinVar's aggregate classification.

Natera, Inc.
Classification: Uncertain significance for Usher syndrome type 1B. Last evaluated: 2020-08-31. Review status: no assertion criteria provided. Collection method: clinical testing. Allele origin: germline. Not counted in ClinVar's aggregate classification.

Clinical Genetics DNA and cytogenetics Diagnostics Lab, Erasmus MC, Erasmus Medical Center
Classification: Uncertain significance. Review status: no assertion criteria provided. Collection method: clinical testing. Allele origin: germline. Affected: yes. Study: VKGL Data-share Consensus. Not counted in ClinVar's aggregate classification.

Laboratory of Diagnostic Genome Analysis, Leiden University Medical Center (LUMC)
Classification: Uncertain significance. Review status: no assertion criteria provided. Collection method: clinical testing. Allele origin: germline. Affected: yes. Study: VKGL Data-share Consensus. Not counted in ClinVar's aggregate classification.

NM_000260.4(MYO7A):c.37G>C (p.Asp13His)

Gene: MYO7A (myosin VIIA; plus strand). Cytogenetic location: 11q13.5.
Variant type: single nucleotide variant.
Coding change: c.37G>C on transcript NM_000260.4 (MANE Select); coding-DNA position 37, G replaced by C.
Protein change: p.Asp13His; replaces aspartic acid 13 with histidine.
Molecular consequence: missense variant.
Genome position (GRCh38, 1-based): chr11:77,142,727, G>C. VCF-style: chr11-77142727-G-C. GRCh37 (hg19) VCF-style: chr11-76853773-G-C.
Other names: c.37G>C, p.Asp13His (NM_001127180.2); c.4G>C, p.Asp2His (NM_001369365.1); short protein forms D2H, D13H.
Identifiers: ClinVar variation 862969 (VCV000862969.17), dbSNP rs1555051432, ClinGen allele CA381947541.